The following is an entry in ClinVar:

NM_000090.4(COL3A1):c.4275C>A (p.Ser1425Arg)

Gene: COL3A1 (collagen type III alpha 1 chain; plus strand). Cytogenetic location: 2q32.2.
Variant type: single nucleotide variant.
Coding change: c.4275C>A on transcript NM_000090.4 (MANE Select); coding-DNA position 4275, C replaced by A.
Protein change: p.Ser1425Arg; replaces serine 1425 with arginine.
Molecular consequence: missense variant.
Genome position (GRCh38, 1-based): chr2:189,011,648, C>A. VCF-style: chr2-189011648-C-A. GRCh37 (hg19) VCF-style: chr2-189876374-C-A.
Other names: short protein forms S1425R.
Identifiers: ClinVar variation 927350 (VCV000927350.16), dbSNP rs1688728943, ClinGen allele CA349850243.

ClinVar aggregate classification (germline): Uncertain significance. Review status: criteria provided, multiple submitters, no conflicts (2 of 4 stars). 4 submissions from 4 submitters: Uncertain significance (4). Last evaluated 2026-09-11.

Conditions:
Ehlers-Danlos syndrome, type 4 (EDSVASC). Also called: Ehlers-Danlos syndrome vascular type; Ehlers Danlos syndrome, ecchymotic type; Ehlers Danlos syndrome, arterial type; Ehlers Danlos syndrome, Sack-Barabas type; Ehlers-Danlos Syndrome Type IV. Identifiers: Orphanet 286, MedGen C0268338, MONDO:0017314, OMIM 130050.
Familial thoracic aortic aneurysm and aortic dissection (TAAD). Also called: Thoracic aortic aneurysms and dissections. Identifiers: Orphanet 91387, MedGen C4707243, MONDO:0019625.

Allele frequency attached by ClinVar (database versions not stated): gnomAD exomes 0.00001.
gnomAD v4.1: 4 of 1,613,958 alleles (0.00025%); highest among the groups gnomAD compares: South Asian, 0.0022%; no homozygotes.

Submissions (4):

Ambry Genetics
Classification: Uncertain significance for Familial thoracic aortic aneurysm and aortic dissection. Last evaluated: 2026-09-11. Review status: criteria provided, single submitter. Criteria: Ambry Variant Classification Scheme 2023. Collection method: clinical testing. Allele origin: germline.
Comment: The p.S1425R variant (also known as c.4275C>A), located in coding exon 51 of the COL3A1 gene, results from a C to A substitution at nucleotide position 4275. The serine at codon 1425 is replaced by arginine, an amino acid with dissimilar properties. This amino acid position is conserved. In addition, this alteration is predicted to be tolerated by in silico analysis. Based on the available evidence, the clinical significance of this variant remains unclear.

Color Diagnostics, LLC DBA Color Health
Classification: Uncertain significance for Familial thoracic aortic aneurysm and aortic dissection. Last evaluated: 2023-12-05. Review status: criteria provided, single submitter. Criteria: ACMG Guidelines, 2015. Collection method: clinical testing. Allele origin: germline.
Comment: This missense variant replaces serine with arginine at codon 1425 of the COL3A1 protein. Computational prediction tools and conservation analyses suggest that this variant may not impact the protein function. Computational splicing tools suggest that this variant may not impact RNA splicing. To our knowledge, functional assays have not been performed for this variant nor has this variant been reported in individuals affected with cardiovascular disorders in the literature. This variant has not been identified in the general population by the Genome Aggregation Database (gnomAD). Available evidence is insufficient to determine the role of this variant in disease conclusively. Therefore, this variant is classified as a Variant of Uncertain Significance.

All of Us Research Program, National Institutes of Health
Classification: Uncertain significance for Ehlers-Danlos syndrome, type 4. Last evaluated: 2023-05-04. Review status: criteria provided, single submitter. Criteria: ACMG Guidelines, 2015. Collection method: clinical testing. Allele origin: germline. Inheritance: Autosomal dominant inheritance. Observed: 1 variant allele, 1 heterozygote.
Comment: This missense variant replaces serine with arginine at codon 1425 of the COL3A1 protein. Computational prediction tools and conservation analyses suggest that this variant may not impact the protein function. Computational splicing tools suggest that this variant may not impact RNA splicing. To our knowledge, functional assays have not been performed for this variant nor has this variant been reported in individuals affected with cardiovascular disorders in the literature. This variant has not been identified in the general population by the Genome Aggregation Database (gnomAD). Available evidence is insufficient to determine the role of this variant in disease conclusively. Therefore, this variant is classified as a Variant of Uncertain Significance.

This study involves interpretation of variants in research participants for the purpose of population health screening. Participant phenotype was not available at the time of variant classification. Additional details can be found in publication PMID: 35346344, PMCID: PMC8962531

Labcorp Genetics (formerly Invitae), Labcorp
Classification: Uncertain significance for Ehlers-Danlos syndrome, type 4. Last evaluated: 2020-10-27. Review status: criteria provided, single submitter. Criteria: Invitae Variant Classification Sherloc (09022015). Collection method: clinical testing. Allele origin: germline.
Comment: In summary, the available evidence is currently insufficient to determine the role of this variant in disease. Therefore, it has been classified as a Variant of Uncertain Significance. Advanced modeling of protein sequence and biophysical properties (such as structural, functional, and spatial information, amino acid conservation, physicochemical variation, residue mobility, and thermodynamic stability) performed at Invitae indicates that this missense variant is not expected to disrupt COL3A1 protein function. This variant has not been reported in the literature in individuals with COL3A1-related conditions. ClinVar contains an entry for this variant (Variation ID: 927350). This variant is not present in population databases (ExAC no frequency). This sequence change replaces serine with arginine at codon 1425 of the COL3A1 protein (p.Ser1425Arg). The serine residue is moderately conserved and there is a moderate physicochemical difference between serine and arginine.